The following is an entry in ClinVar:

ClinVar aggregate classification (germline): Uncertain significance. Review status: criteria provided, multiple submitters, no conflicts (2 of 4 stars). 2 submissions from 2 submitters: Uncertain significance (2). Last evaluated 2024-01-02.

Conditions:
Primary ciliary dyskinesia. Also called: Ciliary dyskinesia. Identifiers: Orphanet 244, MedGen C0008780, MONDO:0016575, HP:0012265.

Allele frequency attached by ClinVar (database versions not stated): ExAC 0.00003; TOPMed 0.00004; gnomAD exomes 0.00005; gnomAD 0.00007; ESP Exome Variant Server 0.00008.
gnomAD v4.1: 36 of 1,603,464 alleles (0.0022%); highest among the groups gnomAD compares: Admixed American, 0.019%; no homozygotes.

Submissions (2):

Ambry Genetics
Classification: Uncertain significance. Last evaluated: 2024-01-02. Review status: criteria provided, single submitter. Criteria: Ambry Variant Classification Scheme 2023. Collection method: clinical testing. Allele origin: germline.

Labcorp Genetics (formerly Invitae), Labcorp
Classification: Uncertain significance for Primary ciliary dyskinesia. Last evaluated: 2023-11-06. Review status: criteria provided, single submitter. Criteria: Invitae Variant Classification Sherloc (09022015). Collection method: clinical testing. Allele origin: germline.
Comment: This sequence change replaces arginine, which is basic and polar, with glutamine, which is neutral and polar, at codon 3123 of the DNAH8 protein (p.Arg3123Gln). This variant is present in population databases (rs146541069, gnomAD 0.03%). This variant has not been reported in the literature in individuals affected with DNAH8-related conditions. ClinVar contains an entry for this variant (Variation ID: 862355). Advanced modeling of protein sequence and biophysical properties (such as structural, functional, and spatial information, amino acid conservation, physicochemical variation, residue mobility, and thermodynamic stability) performed at Invitae indicates that this missense variant is not expected to disrupt DNAH8 protein function with a negative predictive value of 80%. In summary, the available evidence is currently insufficient to determine the role of this variant in disease. Therefore, it has been classified as a Variant of Uncertain Significance.

NM_001206927.2(DNAH8):c.9368G>A (p.Arg3123Gln)

Genes: DNAH8-AS1 (DNAH8 antisense RNA 1; minus strand), DNAH8 (dynein axonemal heavy chain 8; plus strand). Cytogenetic location: 6p21.2.
Variant type: single nucleotide variant.
Coding change: c.9368G>A on transcript NM_001206927.2 (MANE Select); coding-DNA position 9368, G replaced by A.
Protein change: p.Arg3123Gln; replaces arginine 3123 with glutamine.
Molecular consequence: missense variant.
Genome position (GRCh38, 1-based): chr6:38,907,975, G>A. VCF-style: chr6-38907975-G-A. GRCh37 (hg19) VCF-style: chr6-38875751-G-A.
Other names: c.8717G>A, p.Arg2906Gln (NM_001371.4); short protein forms R2906Q, R3123Q.
Identifiers: ClinVar variation 862355 (VCV000862355.9), dbSNP rs146541069, ClinGen allele CA3790462.